The following is an entry in ClinVar:

ClinVar aggregate classification (germline): Benign. Review status: criteria provided, multiple submitters, no conflicts (2 of 4 stars). 2 submissions from 2 submitters: Benign (2). Last evaluated 2025-11-12.

Conditions:
Hypotrichosis 6 (HYPT6). Also called: HYPOTRICHOSIS, LOCALIZED, AUTOSOMAL RECESSIVE 1; MONILETHRIX-LIKE HYPOTRICHOSIS. Identifiers: Orphanet 55654, MedGen C1842839, MONDO:0011932, OMIM 607903.

Allele frequency attached by ClinVar (database versions not stated): gnomAD exomes 0.00141 and 0.00370; ExAC 0.00421; gnomAD 0.01180 and 0.01253; TOPMed 0.01346; 1000 Genomes Project 30x 0.01562; 1000 Genomes Project 0.01577.
gnomAD v4.1: 3,974 of 1,614,198 alleles (0.25%); highest among the groups gnomAD compares: African/African-American, 4%; 81 homozygotes.

Submissions (2):

Labcorp Genetics (formerly Invitae), Labcorp
Classification: Benign. Last evaluated: 2025-11-12. Review status: criteria provided, single submitter. Criteria: Invitae Variant Classification Sherloc (09022015). Collection method: clinical testing. Allele origin: germline.

Illumina Laboratory Services, Illumina
Classification: Benign for Hypotrichosis 6. Last evaluated: 2017-04-27. Review status: criteria provided, single submitter. Criteria: ICSL Variant Classification Criteria 13 December 2019. Collection method: clinical testing. Allele origin: germline.
Comment: This variant was observed as part of a predisposition screen in an ostensibly healthy population. A literature search was performed for the gene, cDNA change, and amino acid change (where applicable). No publications were found based on this search. Allele frequency data from public databases was too high to be consistent with this variant causing disease. Therefore, this variant is classified as benign.

NM_177986.5(DSG4):c.2391A>C (p.Arg797=)

Genes: DSG1-AS1 (DSG1 antisense RNA 1; minus strand), DSG4 (desmoglein 4; plus strand). Cytogenetic location: 18q12.1.
Variant type: single nucleotide variant.
Coding change: c.2391A>C on transcript NM_177986.5 (MANE Select); coding-DNA position 2391, A replaced by C.
Protein change: p.Arg797=; no amino-acid change (arginine 797 retained).
Molecular consequence: synonymous variant.
Genome position (GRCh38, 1-based): chr18:31,412,863, A>C. VCF-style: chr18-31412863-A-C. GRCh37 (hg19) VCF-style: chr18-28992826-A-C.
Other names: c.2448A>C, p.Arg816= (NM_001134453.3).
Identifiers: ClinVar variation 787463 (VCV000787463.12), dbSNP rs112653254, ClinGen allele CA8927331.